The following is an entry in ClinVar:

ClinVar aggregate classification (germline): Uncertain significance (1 of 4 stars; one submission).

Conditions:
Inborn genetic diseases. Identifiers: MedGen C0950123, MeSH D030342.

Submission:

Ambry Genetics
Classification: Uncertain significance for Inborn genetic diseases. Last evaluated: 2024-05-19. Review status: criteria provided, single submitter. Criteria: Ambry Variant Classification Scheme 2023. Collection method: clinical testing. Allele origin: germline.
Comment: The p.H292Q variant (also known as c.876C>A), located in coding exon 7 of the ACD gene, results from a C to A substitution at nucleotide position 876. The histidine at codon 292 is replaced by glutamine, an amino acid with highly similar properties. This amino acid position is conserved. In addition, this alteration is predicted to be tolerated by in silico analysis. Based on the available evidence, the clinical significance of this variant remains unclear.

NM_001082486.2(ACD):c.618C>A (p.His206Gln)

Gene: ACD (ACD shelterin complex subunit and telomerase recruitment factor; minus strand). Cytogenetic location: 16q22.1.
Variant type: single nucleotide variant.
Coding change: c.618C>A on transcript NM_001082486.2 (MANE Select); coding-DNA position 618, C replaced by A.
Protein change: p.His206Gln; replaces histidine 206 with glutamine.
Molecular consequence: missense variant.
Genome position (GRCh38, 1-based): chr16:67,658,955, G>T on the plus strand (C>A on the coding strand, the complement: ACD is on the minus strand). VCF-style: chr16-67658955-G-T. GRCh37 (hg19) VCF-style: chr16-67692858-G-T.
Other names: c.618C>A, p.His206Gln (NM_001410884.1); c.609C>A, p.His203Gln (NM_022914.3); short protein forms H203Q, H206Q.
Identifiers: ClinVar variation 3261540 (VCV003261540.1).